The following is an entry in ClinVar:

NC_000006.12:g.31967715del

Gene: SKIC2 (SKI2 subunit of superkiller complex; plus strand). Cytogenetic location: 6p21.33.
Variant type: Deletion.
Genome position: GRCh38 VCF-style: chr6-31967713-AG-A. GRCh37 (hg19) VCF-style: chr6-31935490-AG-A.
Identifiers: ClinVar variation 4768384 (VCV004768384.1).

ClinVar aggregate classification (germline): Pathogenic (1 of 4 stars; one submission).

Submission:

Labcorp Genetics (formerly Invitae), Labcorp
Classification: Pathogenic. Last evaluated: 2025-11-24. Review status: criteria provided, single submitter. Criteria: Invitae Variant Classification Sherloc (09022015). Collection method: clinical testing. Allele origin: germline.
Comment: This sequence change creates a premature translational stop signal (p.Val862Serfs*74) in the SKIV2L gene. It is expected to result in an absent or disrupted protein product. Loss-of-function variants in SKIV2L are known to be pathogenic (PMID: 22444670). This variant is present in population databases (no rsID available, gnomAD 0.0009%). This variant has not been reported in the literature in individuals affected with SKIV2L-related conditions. Algorithms developed to predict the effect of sequence changes on RNA splicing suggest that this variant may disrupt the consensus splice site. For these reasons, this variant has been classified as Pathogenic.

Literature cited by the submitters: PubMed 22444670.